The following is an entry in ClinVar:

ClinVar aggregate classification (germline): Uncertain significance. Review status: criteria provided, multiple submitters, no conflicts (2 of 4 stars). 3 submissions from 3 submitters: Uncertain significance (3). Last evaluated 2024-03-11.

Conditions:
Rhabdoid tumor predisposition syndrome 2 (RTPS2). Identifiers: Orphanet 231108, Orphanet 69077, MedGen C2750074, MONDO:0013224, OMIM 613325.
Hereditary cancer-predisposing syndrome. Also called: Hereditary neoplastic syndrome; Neoplastic Syndromes, Hereditary; Tumor predisposition; Hereditary Cancer Syndrome. Identifiers: Orphanet 140162, MedGen C0027672, MeSH D009386, MONDO:0015356.

Allele frequency attached by ClinVar (database versions not stated): gnomAD exomes below 0.00001; TOPMed below 0.00001.
gnomAD v4.1: 1 of 1,613,608 alleles (0.000062%); highest among the groups gnomAD compares: Non-Finnish European, 0.000085%; no homozygotes.

Submissions (3):

GeneDx
Classification: Uncertain significance. Last evaluated: 2024-03-11. Review status: criteria provided, single submitter. Criteria: GeneDx Variant Classification Process June 2021. Collection method: clinical testing. Allele origin: germline. Affected: yes.
Comment: Not observed at significant frequency in large population cohorts (gnomAD); In silico analysis supports that this missense variant has a deleterious effect on protein structure/function; Has not been previously published as pathogenic or benign to our knowledge; This variant is associated with the following publications: (PMID: 24658002, 25462860)

Ambry Genetics
Classification: Uncertain significance for Hereditary cancer-predisposing syndrome. Last evaluated: 2024-01-17. Review status: criteria provided, single submitter. Criteria: Ambry Variant Classification Scheme 2023. Collection method: clinical testing. Allele origin: germline.
Comment: The p.T858M variant (also known as c.2573C>T), located in coding exon 17 of the SMARCA4 gene, results from a C to T substitution at nucleotide position 2573. The threonine at codon 858 is replaced by methionine, an amino acid with similar properties. This amino acid position is highly conserved in available vertebrate species. In addition, this alteration is predicted to be deleterious by in silico analysis. Missense and in-frame variants in SMARCA4 are known to cause neurodevelopmental disorders; however, such associations with rhabdoid tumor predisposition syndrome including small cell carcinoma of the ovary-hypercalcemic type (SCCOHT) are exceedingly rare (Kosho T et al. Am J Med Genet C Semin Med Genet. 2014 Sep;166C(3):262-75; Jelinic P et al. Nat Genet. 2014 May;46(5):424-6). Based on the available evidence, the clinical significance of this alteration remains unclear.

Labcorp Genetics (formerly Invitae), Labcorp
Classification: Uncertain significance for Rhabdoid tumor predisposition syndrome 2. Last evaluated: 2023-08-11. Review status: criteria provided, single submitter. Criteria: Invitae Variant Classification Sherloc (09022015). Collection method: clinical testing. Allele origin: germline.
Comment: In summary, the available evidence is currently insufficient to determine the role of this variant in disease. Therefore, it has been classified as a Variant of Uncertain Significance. Advanced modeling of protein sequence and biophysical properties (such as structural, functional, and spatial information, amino acid conservation, physicochemical variation, residue mobility, and thermodynamic stability) performed at Invitae indicates that this missense variant is expected to disrupt SMARCA4 protein function. ClinVar contains an entry for this variant (Variation ID: 470311). This variant has not been reported in the literature in individuals affected with SMARCA4-related conditions. This variant is not present in population databases (gnomAD no frequency). This sequence change replaces threonine, which is neutral and polar, with methionine, which is neutral and non-polar, at codon 858 of the SMARCA4 protein (p.Thr858Met).

NM_003072.5(SMARCA4):c.2573C>T (p.Thr858Met)

Gene: SMARCA4 (SWI/SNF related BAF chromatin remodeling complex subunit ATPase 4; plus strand). Cytogenetic location: 19p13.2.
Variant type: single nucleotide variant.
Coding change: c.2573C>T on transcript NM_003072.5 (MANE Select); coding-DNA position 2573, C replaced by T.
Protein change: p.Thr858Met; replaces threonine 858 with methionine.
Molecular consequence: missense variant. On other transcripts: non-coding transcript variant (1).
Genome position (GRCh38, 1-based): chr19:11,019,658, C>T. VCF-style: chr19-11019658-C-T. GRCh37 (hg19) VCF-style: chr19-11130334-C-T.
Other names: c.2573C>T, p.Thr858Met (NM_001128844.3, NM_001128845.2, NM_001128846.2 and 5 more transcripts); short protein forms T858M.
Identifiers: ClinVar variation 470311 (VCV000470311.10), dbSNP rs1480398200, ClinGen allele CA404054612.